The following is an entry in ClinVar:

ClinVar aggregate classification (germline): Pathogenic (1 of 4 stars; one submission).

Conditions:
Osteogenesis imperfecta type I (OI1). Also called: Lobstein's Disease; OI, TYPE I; OSTEOGENESIS IMPERFECTA TARDA; OSTEOGENESIS IMPERFECTA WITH BLUE SCLERAE; Lobstein disease; Classic Non-deforming Osteogenesis Imperfecta with Blue Sclerae. Identifiers: Orphanet 216796, Orphanet 666, MedGen C0023931, MONDO:0008146, OMIM 166200. Disease mechanism: loss of function.

Submission:

Labcorp Genetics (formerly Invitae), Labcorp
Classification: Pathogenic for Osteogenesis imperfecta type I. Last evaluated: 2019-04-28. Review status: criteria provided, single submitter. Criteria: Invitae Variant Classification Sherloc (09022015). Collection method: clinical testing. Allele origin: germline.
Comment: This sequence change creates a premature translational stop signal (p.Arg967Lysfs*141) in the COL1A1 gene. It is expected to result in an absent or disrupted protein product. This variant is not present in population databases (ExAC no frequency). This variant has not been reported in the literature in individuals with COL1A1-related conditions. Loss-of-function variants in COL1A1 are known to be pathogenic (PMID: 7942841, 9295084, 9443882). For these reasons, this variant has been classified as Pathogenic.

Literature cited by the submitters: PubMed 7942841; PubMed 9295084; PubMed 9443882.

NM_000088.4(COL1A1):c.2900del (p.Arg967fs)

Gene: COL1A1 (collagen type I alpha 1 chain; minus strand). Cytogenetic location: 17q21.33.
Variant type: Deletion.
Coding change: c.2900del on transcript NM_000088.4 (MANE Select); coding-DNA position 2900, one base deleted (G; older notation c.2900delG).
Protein change: p.Arg967fs; shifts the reading frame from arginine 967.
Molecular consequence: frameshift variant.
Genome position (GRCh38, 1-based): chr17:50,189,205, C deleted on the plus strand (G on the coding strand, the reverse complement: COL1A1 is on the minus strand). VCF-style (leftmost placement, unchanged base first): chr17-50189204-TC-T. GRCh37 (hg19) VCF-style: chr17-48266565-TC-T.
Other names: short protein forms R967fs.
Identifiers: ClinVar variation 943923 (VCV000943923.8), dbSNP rs1906846472, ClinGen allele CA1139665693.
Genomic context (GRCh38, chr17:50,189,204, plus strand): 5'-CCCCAAGGTGAGGGGGGCACTTACAGAGGGGCCAGGAAGACCAGGGAAGCCTCTCTCTCC[TC>T]TCTGACCAGGCAGGCCGACCACACCACGCTGTCCAGCAATACCTTGAGGCCCGGGAGTAC-3'